The following is an entry in ClinVar:

NM_001377.3(DYNC2H1):c.12366+259T>C

Gene: DYNC2H1 (dynein cytoplasmic 2 heavy chain 1; plus strand). Cytogenetic location: 11q22.3.
Variant type: single nucleotide variant.
Coding change: c.12366+259T>C on transcript NM_001377.3 (MANE Select); 259 bases into the intron after coding-DNA position 12366, T replaced by C.
Molecular consequence: intron variant.
Genome position (GRCh38, 1-based): chr11:103,400,131, T>C. VCF-style: chr11-103400131-T-C. GRCh37 (hg19) VCF-style: chr11-103270859-T-C.
Other names: c.12387+259T>C (NM_001080463.2).
Identifiers: ClinVar variation 667812 (VCV000667812.1), dbSNP rs10895418, ClinGen allele CA13567136.

ClinVar aggregate classification (germline): Benign (1 of 4 stars; one submission).

Allele frequency attached by ClinVar (database versions not stated): gnomAD 0.54779 and 0.54940; TOPMed 0.55885; 1000 Genomes Project 0.57788; 1000 Genomes Project 30x 0.58354.
gnomAD v4.1: 83,081 of 152,032 alleles (55%); highest among the groups gnomAD compares: African/African-American, 74%; 23,798 homozygotes.

Submission:

GeneDx
Classification: Benign. Last evaluated: 2018-06-14. Review status: criteria provided, single submitter. Criteria: GeneDx Variant Classification (06012015). Collection method: clinical testing. Allele origin: germline. Affected: yes.
Comment: This variant is considered likely benign or benign based on one or more of the following criteria: it is a conservative change, it occurs at a poorly conserved position in the protein, it is predicted to be benign by multiple in silico algorithms, and/or has population frequency not consistent with disease.